The following is an entry in ClinVar:

NM_001278064.2(GRM1):c.2641G>A (p.Ala881Thr)

Gene: GRM1 (glutamate metabotropic receptor 1; plus strand). Cytogenetic location: 6q24.3.
Variant type: single nucleotide variant.
Coding change: c.2641G>A on transcript NM_001278064.2 (MANE Select); coding-DNA position 2641, G replaced by A.
Protein change: p.Ala881Thr; replaces alanine 881 with threonine.
Molecular consequence: missense variant.
Genome position (GRCh38, 1-based): chr6:146,399,680, G>A. VCF-style: chr6-146399680-G-A. GRCh37 (hg19) VCF-style: chr6-146720816-G-A.
Other names: c.2641G>A, p.Ala881Thr (NM_001278065.2, NM_001278066.1, NM_001278067.1); short protein forms A881T.
Identifiers: ClinVar variation 1313067 (VCV001313067.2), dbSNP rs2114585265, ClinGen allele CA366196053.

ClinVar aggregate classification (germline): Uncertain significance (1 of 4 stars; one submission).

Submission:

GeneDx
Classification: Uncertain significance. Last evaluated: 2020-07-17. Review status: criteria provided, single submitter. Criteria: GeneDx Variant Classification Process June 2021. Collection method: clinical testing. Allele origin: germline. Affected: yes.
Comment: Not observed in large population cohorts (Lek et al., 2016); In silico analysis supports that this missense variant does not alter protein structure/function; Has not been previously published as pathogenic or benign to our knowledge